The following is an entry in ClinVar:

NM_020806.5(GPHN):c.2079+2T>C

Genes: GPHN (gephyrin; plus strand), LOC126861970 (MED14-independent group 3 enhancer GRCh37_chr14:67634697-67635896; plus strand). Cytogenetic location: 14q23.3.
Variant type: single nucleotide variant.
Coding change: c.2079+2T>C on transcript NM_020806.5 (MANE Select); the canonical splice donor site of the intron after coding-DNA position 2079, T replaced by C.
Molecular consequence: splice donor variant.
Genome position (GRCh38, 1-based): chr14:67,169,038, T>C. VCF-style: chr14-67169038-T-C. GRCh37 (hg19) VCF-style: chr14-67635755-T-C.
Other names: c.2139+2T>C (NM_001377514.1); c.2019+2T>C (NM_001377519.1); c.2109+2T>C (NM_001377515.1); c.2100+2T>C (NM_001377516.1); c.2037+2T>C (NM_001377518.1); c.2052+2T>C (NM_001377517.1); c.1980+2T>C (NM_001024218.2).
Identifiers: ClinVar variation 853103 (VCV000853103.9), dbSNP rs2082439915, ClinGen allele CA390122122.

ClinVar aggregate classification (germline): Likely pathogenic (1 of 4 stars; one submission).

Conditions:
Sulfite oxidase deficiency due to molybdenum cofactor deficiency type C. Also called: Molybdenum cofactor deficiency C; Molybdenum cofactor deficiency, complementation group C. Identifiers: Orphanet 308400, Orphanet 833, MedGen C1854990, MONDO:0014212, OMIM 615501.

Submissions (2):

Labcorp Genetics (formerly Invitae), Labcorp
Classification: Likely pathogenic for Sulfite oxidase deficiency due to molybdenum cofactor deficiency type C. Last evaluated: 2025-03-19. Review status: criteria provided, single submitter. Criteria: Invitae Variant Classification Sherloc (09022015). Collection method: clinical testing. Allele origin: germline.
Comment: This sequence change affects a donor splice site in intron 21 of the GPHN gene. It is expected to disrupt RNA splicing. Variants that disrupt the donor or acceptor splice site typically lead to a loss of protein function (PMID: 16199547), and loss-of-function variants in GPHN are known to be pathogenic (PMID: 11095995, 23184456, 23393157, 24561070, 26613940). This variant is not present in population databases (gnomAD no frequency). Disruption of this splice site has been observed in individual(s) with clinical features of GPHN-related conditions (internal data). ClinVar contains an entry for this variant (Variation ID: 853103). Algorithms developed to predict the effect of sequence changes on RNA splicing suggest that this variant may disrupt the consensus splice site. In summary, the currently available evidence indicates that the variant is pathogenic, but additional data are needed to prove that conclusively. Therefore, this variant has been classified as Likely Pathogenic.

Dr. Peter K. Rogan Lab, Western University
No classification provided (evidence only). Condition: Hepatocellular carcinoma. Review status: no classification provided. Collection method: in vitro. Allele origin: not applicable. Functional consequence: skipped exon, retained intron. Not counted in ClinVar's aggregate classification.

Literature cited by the submitters: PubMed 16199547 (cited by Labcorp Genetics (formerly Invitae), Labcorp); PubMed 11095995 (cited by Labcorp Genetics (formerly Invitae), Labcorp); PubMed 23184456 (cited by Labcorp Genetics (formerly Invitae), Labcorp); PubMed 23393157 (cited by Labcorp Genetics (formerly Invitae), Labcorp); PubMed 24561070 (cited by Labcorp Genetics (formerly Invitae), Labcorp); PubMed 26613940 (cited by Labcorp Genetics (formerly Invitae), Labcorp).